The following is an entry in ClinVar:

ClinVar aggregate classification (germline): Likely benign. Review status: criteria provided, multiple submitters, no conflicts (2 of 4 stars). 4 submissions from 4 submitters: Likely benign (4). Last evaluated 2025-12-21.

Conditions:
Cardiovascular phenotype. Identifiers: MedGen CN230736.
Cardiomyopathy (CMYO). Also called: Cardiomyopathies. Identifiers: Orphanet 167848, MedGen C0878544, MONDO:0004994, HP:0001638. Inheritance: Various modes of inheritance.
Hypertrophic cardiomyopathy. Also called: HYPERTROPHIC MYOCARDIOPATHY. Identifiers: Orphanet 217569, MedGen C0007194, MeSH D002312, MONDO:0005045, HP:0001639.

gnomAD v4.1: 8 of 1,613,416 alleles (0.0005%); highest among the groups gnomAD compares: African/African-American, 0.0013%; no homozygotes.

Submissions (4):

Labcorp Genetics (formerly Invitae), Labcorp
Classification: Likely benign for Hypertrophic cardiomyopathy. Last evaluated: 2025-12-21. Review status: criteria provided, single submitter. Criteria: Invitae Variant Classification Sherloc (09022015). Collection method: clinical testing. Allele origin: germline.

Ambry Genetics
Classification: Likely benign for Cardiovascular phenotype. Last evaluated: 2023-10-20. Review status: criteria provided, single submitter. Criteria: Ambry Variant Classification Scheme 2023. Collection method: clinical testing. Allele origin: germline.

Color Diagnostics, LLC DBA Color Health
Classification: Likely benign for Cardiomyopathy. Last evaluated: 2020-02-04. Review status: criteria provided, single submitter. Criteria: ACMG Guidelines, 2015. Collection method: clinical testing. Allele origin: germline.

GeneDx
Classification: Likely benign. Last evaluated: 2016-01-04. Review status: criteria provided, single submitter. Criteria: GeneDx Variant Classification (06012015). Collection method: clinical testing. Allele origin: germline. Affected: yes.
Comment: This variant is considered likely benign or benign based on one or more of the following criteria: it is a conservative change, it occurs at a poorly conserved position in the protein, it is predicted to be benign by multiple in silico algorithms, and/or has population frequency not consistent with disease.

NM_000363.5(TNNI3):c.432G>T (p.Leu144=)

Gene: TNNI3 (troponin I3, cardiac type; minus strand). Cytogenetic location: 19q13.42.
Variant type: single nucleotide variant.
Coding change: c.432G>T on transcript NM_000363.5 (MANE Select); coding-DNA position 432, G replaced by T.
Protein change: p.Leu144=; no amino-acid change (leucine 144 retained).
Molecular consequence: synonymous variant.
Genome position (GRCh38, 1-based): chr19:55,154,147, C>A on the plus strand (G>T on the coding strand, the complement: TNNI3 is on the minus strand). VCF-style: chr19-55154147-C-A. GRCh37 (hg19) VCF-style: chr19-55665515-C-A.
Other names: c.432G>T (LRG_432t1).
Identifiers: ClinVar variation 378739 (VCV000378739.14), dbSNP rs776615304, ClinGen allele CA051607.